The following is an entry in ClinVar:

ClinVar aggregate classification (germline): Conflicting classifications of pathogenicity. Review status: criteria provided, conflicting classifications (1 of 4 stars). 4 submissions from 4 submitters: Uncertain significance (3); Likely benign (1). Last evaluated 2025-10-14.

Conditions:
Hereditary cancer-predisposing syndrome. Also called: Hereditary Cancer Syndrome; Neoplastic Syndromes, Hereditary; Tumor predisposition; Hereditary neoplastic syndrome. Identifiers: Orphanet 140162, MedGen C0027672, MeSH D009386, MONDO:0015356.
Familial cancer of breast. Also called: BREAST CANCER, FAMILIAL; Hereditary breast cancer; hereditary breast carcinoma. Identifiers: Orphanet 227535, MedGen C0346153, MONDO:0016419, OMIM 114480. Disease mechanism: loss of function.
Ataxia-telangiectasia syndrome (AT). Also called: Ataxia-telangiectasia, complementation group D; AT, COMPLEMENTATION GROUP C; ATAXIA-TELANGIECTASIA, COMPLEMENTATION GROUP A; ATAXIA-TELANGIECTASIA, FRESNO VARIANT; Ataxia-telangiectasia; LOUIS-BAR SYNDROME. Identifiers: Orphanet 100, MedGen C0004135, MONDO:0008840, OMIM 208900.

Allele frequency attached by ClinVar (database versions not stated): gnomAD 0.00001; TOPMed 0.00002.
gnomAD v4.1: 1 of 1,611,448 alleles (0.000062%); highest among the groups gnomAD compares: African/African-American, 0.0013%; no homozygotes.

Submissions (4):

Labcorp Genetics (formerly Invitae), Labcorp
Classification: Uncertain significance for Ataxia-telangiectasia syndrome. Last evaluated: 2025-10-14. Review status: criteria provided, single submitter. Criteria: Invitae Variant Classification Sherloc (09022015). Collection method: clinical testing. Allele origin: germline.
Comment: This sequence change replaces glutamic acid, which is acidic and polar, with glutamine, which is neutral and polar, at codon 1139 of the ATM protein (p.Glu1139Gln). This variant is not present in population databases (gnomAD no frequency). This variant has not been reported in the literature in individuals affected with ATM-related conditions. ClinVar contains an entry for this variant (Variation ID: 186567). Invitae Evidence Modeling of protein sequence and biophysical properties (such as structural, functional, and spatial information, amino acid conservation, physicochemical variation, residue mobility, and thermodynamic stability) indicates that this missense variant is not expected to disrupt ATM protein function with a negative predictive value of 95%. In summary, the available evidence is currently insufficient to determine the role of this variant in disease. Therefore, it has been classified as a Variant of Uncertain Significance.

Ambry Genetics
Classification: Likely benign for Hereditary cancer-predisposing syndrome. Last evaluated: 2025-01-14. Review status: criteria provided, single submitter. Criteria: Ambry Variant Classification Scheme 2023. Collection method: clinical testing. Allele origin: germline.

Baylor Genetics
Classification: Uncertain significance for Familial cancer of breast. Last evaluated: 2023-12-20. Review status: criteria provided, single submitter. Criteria: ACMG Guidelines, 2015. Collection method: clinical testing. Allele origin: unknown.

GeneDx
Classification: Uncertain significance. Last evaluated: 2019-05-30. Review status: criteria provided, single submitter. Criteria: GeneDx Variant Classification Process June 2021. Collection method: clinical testing. Allele origin: germline. Affected: yes.
Comment: Not observed in large population cohorts (Lek et al., 2016); Has not been previously published as pathogenic or benign to our knowledge

NM_000051.4(ATM):c.3415G>C (p.Glu1139Gln)

Gene: ATM (ATM serine/threonine kinase; plus strand). Cytogenetic location: 11q22.3.
Variant type: single nucleotide variant.
Coding change: c.3415G>C on transcript NM_000051.4 (MANE Select); coding-DNA position 3415, G replaced by C.
Protein change: p.Glu1139Gln; replaces glutamic acid 1139 with glutamine.
Molecular consequence: missense variant.
Genome position (GRCh38, 1-based): chr11:108,281,007, G>C. VCF-style: chr11-108281007-G-C. GRCh37 (hg19) VCF-style: chr11-108151734-G-C.
Other names: c.3415G>C, p.Glu1139Gln (NM_001351834.2); short protein forms E1139Q.
Identifiers: ClinVar variation 186567 (VCV000186567.18), dbSNP rs786203048, ClinGen allele CA195191.